The following is an entry in ClinVar:

NM_014363.6(SACS):c.4494_4498del (p.Asp1498fs)

Gene: SACS (sacsin molecular chaperone; minus strand). Cytogenetic location: 13q12.12.
Variant type: Deletion.
Coding change: c.4494_4498del on transcript NM_014363.6 (MANE Select); coding-DNA positions 4494 to 4498, 5 bases deleted (TATGA; older notation c.4494_4498delTATGA).
Protein change: p.Asp1498fs; shifts the reading frame from aspartic acid 1498.
Molecular consequence: frameshift variant.
Genome position (GRCh38, 1-based): chr13:23,339,378-23,339,382, TCATA deleted on the plus strand (TATGA on the coding strand, the reverse complement: SACS is on the minus strand); deleting any 5 consecutive bases within chr13:23,339,378-23,339,385 gives the same sequence; the c. name uses the placement nearest the transcript's 3' end. VCF-style (leftmost placement, unchanged base first): chr13-23339377-CTCATA-C. GRCh37 (hg19) VCF-style: chr13-23913516-CTCATA-C.
Other names: c.4053_4057del, p.Asp1351fs (NM_001278055.2); short protein forms D1351fs, D1498fs.
Identifiers: ClinVar variation 2900356 (VCV002900356.4), dbSNP rs2542280962, ClinGen allele CA2739277473.

ClinVar aggregate classification (germline): Pathogenic/Likely pathogenic. Review status: criteria provided, multiple submitters, no conflicts (2 of 4 stars). 2 submissions from 2 submitters: Pathogenic (1); Likely pathogenic (1). Last evaluated 2024-03-01.

Conditions:
Spastic paraplegia. Identifiers: MedGen C0037772, HP:0001258.
Charlevoix-Saguenay spastic ataxia (SACS). Also called: Spastic ataxia of Charlevoix-Saguenay; SPASTIC ATAXIA 6, AUTOSOMAL RECESSIVE; AUTOSOMAL RECESSIVE SPASTIC ATAXIA OF CHARLEVOIX-SAGUENAY. Identifiers: Orphanet 98, MedGen C1849140, MONDO:0010041, OMIM 270550.

Submissions (2):

Fulgent Genetics
Classification: Likely pathogenic for Charlevoix-Saguenay spastic ataxia. Last evaluated: 2024-03-01. Review status: criteria provided, single submitter. Criteria: ACMG Guidelines, 2015. Collection method: clinical testing. Allele origin: germline.

Labcorp Genetics (formerly Invitae), Labcorp
Classification: Pathogenic for Spastic paraplegia. Last evaluated: 2023-10-14. Review status: criteria provided, single submitter. Criteria: Invitae Variant Classification Sherloc (09022015). Collection method: clinical testing. Allele origin: germline.
Comment: This sequence change creates a premature translational stop signal (p.Asp1498Glufs*41) in the SACS gene. While this is not anticipated to result in nonsense mediated decay, it is expected to disrupt the last 3082 amino acid(s) of the SACS protein. This variant is not present in population databases (gnomAD no frequency). This variant has not been reported in the literature in individuals affected with SACS-related conditions. This variant disrupts a region of the SACS protein in which other variant(s) (p.Asn4549Asp) have been determined to be pathogenic (PMID: 15156359, 21507954). This suggests that this is a clinically significant region of the protein, and that variants that disrupt it are likely to be disease-causing. For these reasons, this variant has been classified as Pathogenic.

Literature cited by the submitters: PubMed 15156359 (cited by Labcorp Genetics (formerly Invitae), Labcorp); PubMed 21507954 (cited by Labcorp Genetics (formerly Invitae), Labcorp).